The following is an entry in ClinVar:

NM_145868.2(ANXA11):c.154G>T (p.Asp52Tyr)

Gene: ANXA11 (annexin A11; minus strand). Cytogenetic location: 10q22.3.
Variant type: single nucleotide variant.
Coding change: c.154G>T on transcript NM_145868.2 (MANE Select); coding-DNA position 154, G replaced by T.
Protein change: p.Asp52Tyr; replaces aspartic acid 52 with tyrosine.
Molecular consequence: missense variant.
Genome position (GRCh38, 1-based): chr10:80,170,817, C>A on the plus strand (G>T on the coding strand, the complement: ANXA11 is on the minus strand). VCF-style: chr10-80170817-C-A. GRCh37 (hg19) VCF-style: chr10-81930573-C-A.
Other names: c.154G>T, p.Asp52Tyr (NM_001157.3, NM_001278407.2, NM_001278408.2 and 1 more transcripts); c.55G>T, p.Asp19Tyr (NM_001278409.2); short protein forms D19Y, D52Y.
Identifiers: ClinVar variation 5016888 (VCV005016888.1).

ClinVar aggregate classification (germline): Uncertain significance (1 of 4 stars; one submission).

gnomAD v4.1: 3 of 1,488,168 alleles (0.0002%); highest among the groups gnomAD compares: Non-Finnish European, 0.00018%; no homozygotes.

Submission:

GeneDx
Classification: Uncertain significance. Last evaluated: 2026-03-23. Review status: criteria provided, single submitter. Criteria: GeneDx Variant Classification Process June 2021. Collection method: clinical testing. Allele origin: germline.
Comment: In silico analysis supports that this missense variant has a deleterious effect on protein structure/function; Has not been previously published as pathogenic or benign to our knowledge